The following is an entry in ClinVar:

ClinVar aggregate classification (germline): Uncertain significance. Review status: criteria provided, single submitter (1 of 4 stars). 2 submissions from 2 submitters: Uncertain significance (1). 1 of the submissions does not count toward it. Last evaluated 2022-02-05.

Conditions:
Retinitis pigmentosa 25 (RP25). Identifiers: Orphanet 791, MedGen C1864446, MONDO:0011272, OMIM 602772.

Allele frequency attached by ClinVar (database versions not stated): gnomAD exomes 0.00001 and 0.00005; gnomAD 0.00003; TOPMed 0.00006.
gnomAD v4.1: 20 of 1,545,092 alleles (0.0013%); highest among the groups gnomAD compares: Admixed American, 0.018%; 1 homozygote.

Submissions (2):

Labcorp Genetics (formerly Invitae), Labcorp
Classification: Uncertain significance. Last evaluated: 2022-02-05. Review status: criteria provided, single submitter. Criteria: Invitae Variant Classification Sherloc (09022015). Collection method: clinical testing. Allele origin: germline.
Comment: This sequence change replaces isoleucine, which is neutral and non-polar, with valine, which is neutral and non-polar, at codon 1999 of the EYS protein (p.Ile1999Val). This variant is present in population databases (no rsID available, gnomAD 0.02%). This missense change has been observed in individual(s) with retinitis pigmentosa (PMID: 20333770). ClinVar contains an entry for this variant (Variation ID: 1014970). Algorithms developed to predict the effect of missense changes on protein structure and function output the following: SIFT: "Tolerated"; PolyPhen-2: "Benign"; Align-GVGD: "Class C0". The valine amino acid residue is found in multiple mammalian species, which suggests that this missense change does not adversely affect protein function. In summary, the available evidence is currently insufficient to determine the role of this variant in disease. Therefore, it has been classified as a Variant of Uncertain Significance.

Natera, Inc.
Classification: Uncertain significance for Retinitis pigmentosa type 25. Last evaluated: 2020-12-23. Review status: no assertion criteria provided. Collection method: clinical testing. Allele origin: germline. Not counted in ClinVar's aggregate classification.

Literature cited by the submitters: PubMed 20333770 (cited by Labcorp Genetics (formerly Invitae), Labcorp).

NM_001142800.2(EYS):c.5995A>G (p.Ile1999Val)

Gene: EYS (eyes shut homolog; minus strand). Cytogenetic location: 6q12.
Variant type: single nucleotide variant.
Coding change: c.5995A>G on transcript NM_001142800.2 (MANE Select); coding-DNA position 5995, A replaced by G.
Protein change: p.Ile1999Val; replaces isoleucine 1999 with valine.
Molecular consequence: missense variant.
Genome position (GRCh38, 1-based): chr6:64,388,773, T>C on the plus strand (A>G on the coding strand, the complement: EYS is on the minus strand). VCF-style: chr6-64388773-T-C. GRCh37 (hg19) VCF-style: chr6-65098666-T-C.
Other names: c.5995A>G, p.Ile1999Val (NM_001292009.2); short protein forms I1999V.
Identifiers: ClinVar variation 1014970 (VCV001014970.7), dbSNP rs893294562, ClinGen allele CA140315869.